The following is an entry in ClinVar:

NM_183357.3(ADCY5):c.191AGC[5] (p.Gln67_Arg68insGln)

Gene: ADCY5 (adenylate cyclase 5; minus strand). Cytogenetic location: 3q21.1.
Variant type: Microsatellite.
Coding change: c.191AGC[5] on transcript NM_183357.3 (MANE Select); five copies in a row of the 3-base unit AGC starting at c.191; the reference has four copies in a row; one copy, 3 bases duplicated.
Protein change: p.Gln67_Arg68insGln.
Genome position (GRCh38, 1-based): chr3:123,448,344-123,448,346, GCT duplicated on the plus strand (AGC on the coding strand, the reverse complement: ADCY5 is on the minus strand); duplicating any 3 consecutive bases within chr3:123,448,344-123,448,357 gives the same sequence; the position shown is the placement nearest the transcript's 3' end. VCF-style (leftmost placement, unchanged base first): chr3-123448343-C-CGCT. GRCh37 (hg19) VCF-style: chr3-123167190-C-CGCT.
Other names: c.191AGC[5], p.Gln67_Arg68insGln (NM_001378259.1).
Identifiers: ClinVar variation 3717915 (VCV003717915.2).

ClinVar aggregate classification (germline): Uncertain significance (1 of 4 stars; one submission).

Submission:

Labcorp Genetics (formerly Invitae), Labcorp
Classification: Uncertain significance. Last evaluated: 2024-07-21. Review status: criteria provided, single submitter. Criteria: Invitae Variant Classification Sherloc (09022015). Collection method: clinical testing. Allele origin: germline.
Comment: This variant, c.200_202dup, results in the insertion of 1 amino acid(s) of the ADCY5 protein (p.Gln67dup), but otherwise preserves the integrity of the reading frame. This variant is present in population databases (rs752225486, gnomAD 0.008%). This variant has not been reported in the literature in individuals affected with ADCY5-related conditions. In summary, the available evidence is currently insufficient to determine the role of this variant in disease. Therefore, it has been classified as a Variant of Uncertain Significance.